The following is an entry in ClinVar:

NM_000492.4(CFTR):c.1766+5G>T

Gene: CFTR (CF transmembrane conductance regulator; plus strand). Cytogenetic location: 7q31.2.
Variant type: single nucleotide variant.
Coding change: c.1766+5G>T on transcript NM_000492.4 (MANE Select); 5 bases into the intron after coding-DNA position 1766, G replaced by T.
Molecular consequence: intron variant.
Genome position (GRCh38, 1-based): chr7:117,590,444, G>T. VCF-style: chr7-117590444-G-T. GRCh37 (hg19) VCF-style: chr7-117230498-G-T.
Identifiers: ClinVar variation 48685 (VCV000048685.40), dbSNP rs121908796, ClinGen allele CA326663.
Genomic context (GRCh38, chr7:117,590,444, plus strand): 5'-TTAGACTCTCCTTTTGGATACCTAGATGTTTTAACAGAAAAAGAAATATTTGAAAGGTAT[G>T]TTCTTTGAATACCTTACTTATAATGCTCATGCTAAAATAAAAGAAAGACAGACTGTCCCA-3'

ClinVar aggregate classification (germline): Pathogenic. Review status: reviewed by expert panel (3 of 4 stars). 20 submissions from 19 submitters: Pathogenic (1). 19 of the submissions do not count toward it. Last evaluated 2017-03-17.

Conditions:
CFTR-related disorder (CFTR-RD). Also called: CFTR-related condition; CFTR-related disorders. Identifiers: MedGen C5924204, MONDO:7770004.
Congenital bilateral aplasia of vas deferens from CFTR mutation (CBAVD). Identifiers: Orphanet 48, MedGen C0403814, MONDO:0010178, OMIM 277180. Disease mechanism: loss of function.
Cystic fibrosis (CF). Also called: MUCOVISCIDOSIS. Identifiers: Orphanet 586, MedGen C0010674, MONDO:0009061, OMIM 219700. Disease mechanism: loss of function.
Bronchiectasis with or without elevated sweat chloride 1 (BESC1). Also called: Cystic Fibrosis-Like Syndrome. Identifiers: Orphanet 60033, MedGen C2749757, MONDO:0008887, OMIM 211400.
Hereditary pancreatitis (PCTT). Also called: PRSS1-Related Hereditary Pancreatitis; Hereditary chronic pancreatitis. Identifiers: Orphanet 676, MedGen C0238339, MONDO:0008185, OMIM 167800.

Allele frequency attached by ClinVar (database versions not stated): gnomAD exomes 0.00002 and below 0.00001; ExAC 0.00002; gnomAD 0.00001; TOPMed 0.00002.
gnomAD v4.1: 6 of 1,598,500 alleles (0.00038%); highest among the groups gnomAD compares: East Asian, 0.011%; no homozygotes.

Submissions 1 to 8 of 20:

CFTR2
Classification: Pathogenic for Cystic fibrosis. Last evaluated: 2017-03-17. Review status: reviewed by expert panel. Criteria: Sosnay PR et al. (Nat Genet 2013). Collection method: research. Allele origin: germline. Affected: yes. Study: CFTR2.

Labcorp Genetics (formerly Invitae), Labcorp
Classification: Pathogenic for Cystic fibrosis. Last evaluated: 2025-08-07. Review status: criteria provided, single submitter. Criteria: Invitae Variant Classification Sherloc (09022015). Collection method: clinical testing. Allele origin: germline. Not counted in ClinVar's aggregate classification.
Comment: This sequence change falls in intron 13 of the CFTR gene. It does not directly change the encoded amino acid sequence of the CFTR protein. RNA analysis indicates that this variant induces altered splicing and likely results in a shortened protein product. This variant is present in population databases (rs121908796, gnomAD 0.04%). This variant has been observed in individual(s) with cystic fibrosis (PMID: 7543385, 10925568, 12874665, 18456578). In at least one individual the data is consistent with being in trans (on the opposite chromosome) from a pathogenic variant. It is commonly reported in individuals of East Asian ancestry (PMID: 18456578). This variant is also known as c.1898+5G>T. ClinVar contains an entry for this variant (Variation ID: 48685). Variants that disrupt the consensus splice site are a relatively common cause of aberrant splicing (PMID: 17576681, 9536098). Studies have shown that this variant results in skipping of exon 12, but is expected to preserve the integrity of the reading-frame (PMID: 7543385, 23381846). For these reasons, this variant has been classified as Pathogenic.

Natera, Inc.
Classification: Pathogenic for CFTR-related disorders. Last evaluated: 2025-07-21. Review status: criteria provided, single submitter. Criteria: Natera Variant Classification Schema (03/2026). Collection method: clinical testing. Allele origin: germline. Not counted in ClinVar's aggregate classification.
Comment: The c.1766+5G>T variant in CFTR is an intronic variant located outside the canonical splice sites. This variant is rare in the general population with a frequency below the threshold expected for the associated phenotype(s). This variant has been observed in one or more individuals affected with the associated recessive disease, as either homozygous or compound heterozygous with a second variant (PMID: 28116329). Given the available evidence, this variant is classified as Pathogenic.

Victorian Clinical Genetics Services, Murdoch Childrens Research Institute
Classification: Pathogenic for Cystic fibrosis. Last evaluated: 2025-05-30. Review status: criteria provided, single submitter. Criteria: ACMG Guidelines, 2015. Collection method: clinical testing. Allele origin: germline. Affected: no. Not counted in ClinVar's aggregate classification.
Comment: This variant is classified as Pathogenic. Evidence in support of pathogenic classification: Splice site variant proven to affect splicing of the transcript with uncertain effect on protein sequence. Mini-gene splicing studies support exon skipping as the result of this variant. This variant has been described as 1898+5G>T in the literature (PMID: 7543385); Variant is present in gnomAD <0.01 for a recessive condition (v2: 8 heterozygote(s), 0 homozygote(s)); This variant has strong previous evidence of pathogenicity in unrelated individuals. This variant has been classified as pathogenic by the CFTR2 expert panel in ClinVar and is associated with classic cystic fibrosis. Additional information: This variant is heterozygous; This gene is associated with autosomal recessive disease; Loss of function is a known mechanism of disease in this gene and is associated with cystic fibrosis (MIM#219700); Inheritance information for this variant is not currently available in this individual.

Women's Health and Genetics/Laboratory Corporation of America, LabCorp
Classification: Pathogenic for Cystic fibrosis. Last evaluated: 2025-03-05. Review status: criteria provided, single submitter. Criteria: LabCorp Variant Classification Summary - May 2015. Collection method: clinical testing. Allele origin: germline. Not counted in ClinVar's aggregate classification.
Comment: Variant summary: CFTR c.1766+5G>T alters a nucleotide located close to a canonical splice site and therefore could affect mRNA splicing, leading to a significantly altered protein sequence. Several computational tools predict a significant impact on normal splicing: Two predict the variant weakens a 5' donor site and one predicts the variant abolishes a 5' splicing donor site. At least one publication reports experimental evidence that this variant affects mRNA splicing (Zielenski_1995). The variant allele was found at a frequency of 2.4e-05 in 249042 control chromosomes. c.1766+5G>T has been reported in the literature in multiple individuals affected with Cystic Fibrosis (e.g., Zielenski_1005, Alper_2003, Liu_2015). These data indicate that the variant is very likely to be associated with disease. At least one publication reports experimental evidence evaluating an impact on protein function. The most pronounced variant effect results in <10% of normal activity (Zielenski_1995). The following publications have been ascertained in the context of this evaluation (PMID: 12874665, 25580864, 7543385). ClinVar contains an entry for this variant (Variation ID: 48685). Based on the evidence outlined above, the variant was classified as pathogenic.

Ambry Genetics
Classification: Pathogenic for Cystic fibrosis. Last evaluated: 2025-02-13. Review status: criteria provided, single submitter. Criteria: Ambry Variant Classification Scheme 2023. Collection method: clinical testing. Allele origin: germline. Not counted in ClinVar's aggregate classification.
Comment: The c.1766+5G>T intronic pathogenic mutation results from a G to T substitution 5 nucleotides after coding exon 13 in the CFTR gene. This alteration was identified in an individual with high sweat chloride levels, respiratory complications and pancreatic insufficiency who carried this mutation in trans with a complex allele (Alper OM et al J Formos Med Assoc. 2003;102(5):287-291). This alteration might account for almost 30% of carrier alleles in the Chinese/Taiwanese population (Zielenski et al Annu Rev Genet. 1995; 29:777-807). This variant has been reported in multiple individuals with an elevated sweat chloride level in The Clinical and Functional TRanslation of CFTR (CFTR2) database (available at CFTR2. Accessed 02/13/2025). This variant has <10% of wild type quantity in The Clinical and Functional TRanslation of CFTR (CFTR2) database (available at CFTR2. Accessed 02/13/2025). Of note, this alteration is also known as c.1898+5G>T in published literature. This nucleotide position is well conserved in available vertebrate species. In silico splice site analysis predicts that this alteration will weaken the native splice donor site. In-vitro functional studies indicate an alternate transcript is formed 77-80% of the time due to exon skipping and an in-frame deletion of exon 12 (Raynal et al Hum Mutat 2013; 34(5):774-784). Based on the supporting evidence, this variant is interpreted as a disease-causing mutation.

Baylor Genetics
Classification: Pathogenic for Bronchiectasis with or without elevated sweat chloride 1. Last evaluated: 2024-02-22. Review status: criteria provided, single submitter. Criteria: ACMG Guidelines, 2015. Collection method: clinical testing. Allele origin: unknown. Not counted in ClinVar's aggregate classification.

Fulgent Genetics
Classification: Pathogenic for Hereditary pancreatitis; Bronchiectasis with or without elevated sweat chloride 1; Cystic fibrosis; Congenital bilateral aplasia of vas deferens from CFTR mutation. Last evaluated: 2024-02-17. Review status: criteria provided, single submitter. Criteria: ACMG Guidelines, 2015. Collection method: clinical testing. Allele origin: germline. Not counted in ClinVar's aggregate classification.